The following is an entry in ClinVar:

NM_001369369.1(FOXN1):c.714T>C (p.Gly238=)

Gene: FOXN1 (forkhead box N1; plus strand). Cytogenetic location: 17q11.2.
Variant type: single nucleotide variant.
Coding change: c.714T>C on transcript NM_001369369.1 (MANE Select); coding-DNA position 714, T replaced by C.
Protein change: p.Gly238=; no amino-acid change (glycine 238 retained).
Molecular consequence: synonymous variant.
Genome position (GRCh38, 1-based): chr17:28,529,108, T>C. VCF-style: chr17-28529108-T-C. GRCh37 (hg19) VCF-style: chr17-26856126-T-C.
Other names: c.714T>C, p.Gly238= (NM_003593.3).
Identifiers: ClinVar variation 322424 (VCV000322424.15), dbSNP rs35240903, ClinGen allele CA8459325.
Genomic context (GRCh38, chr17:28,529,108, plus strand): 5'-AAGGCTGGGTACCATGCAATCACTCTGCCCCTTTTGACCTCCTCAGTACTCGCCAGGTGG[T>C]GGCAGCTACCCCATACCCTACCTGGGCTCCTCACACTATCAGTACCAGCGAATGGCACCC-3'
Protein context (NP_001356298.1, residues 228-248): QPPFHQYSPG[Gly238=]GSYPIPYLGS

ClinVar aggregate classification (germline): Benign. Review status: criteria provided, multiple submitters, no conflicts (2 of 4 stars). 4 submissions from 4 submitters: Benign (4). Last evaluated 2026-02-02.

Conditions:
T-cell immunodeficiency, congenital alopecia, and nail dystrophy. Also called: Congenital alopecia and nail dystrophy associated with severe functional T-cell immunodeficiency; Pignata Guarino syndrome. Identifiers: Orphanet 169095, MedGen C1866426, MONDO:0011132, OMIM 601705.

Allele frequency attached by ClinVar (database versions not stated): gnomAD exomes 0.00214 and 0.00587; ExAC 0.00702; gnomAD 0.02040 and 0.02200; ESP Exome Variant Server 0.02330; TOPMed 0.02353; 1000 Genomes Project 30x 0.02436; 1000 Genomes Project 0.02476.
gnomAD v4.1: 6,395 of 1,614,094 alleles (0.4%); highest among the groups gnomAD compares: African/African-American, 7.2%; 198 homozygotes.

Submissions (4):

Labcorp Genetics (formerly Invitae), Labcorp
Classification: Benign for T-cell immunodeficiency, congenital alopecia, and nail dystrophy. Last evaluated: 2026-02-02. Review status: criteria provided, single submitter. Criteria: Invitae Variant Classification Sherloc (09022015). Collection method: clinical testing. Allele origin: germline.

Illumina Laboratory Services, Illumina
Classification: Benign for T-cell immunodeficiency, congenital alopecia, and nail dystrophy. Last evaluated: 2018-01-13. Review status: criteria provided, single submitter. Criteria: ICSL Variant Classification Criteria 13 December 2019. Collection method: clinical testing. Allele origin: germline.
Comment: This variant was observed in the ICSL laboratory as part of a predisposition screen in an ostensibly healthy population. It had not been previously curated by ICSL or reported in the Human Gene Mutation Database (HGMD: prior to June 1st, 2018), and was therefore a candidate for classification through an automated scoring system. Utilizing variant allele frequency, disease prevalence and penetrance estimates, and inheritance mode, an automated score was calculated to assess if this variant is too frequent to cause the disease. Based on the score and internal cut-off values, a variant classified as benign is not then subjected to further curation. The score for this variant resulted in a classification of benign for this disease.

GeneDx
Classification: Benign. Last evaluated: 2016-05-11. Review status: criteria provided, single submitter. Criteria: GeneDx Variant Classification (06012015). Collection method: clinical testing. Allele origin: germline. Affected: yes.
Comment: This variant is considered likely benign or benign based on one or more of the following criteria: it is a conservative change, it occurs at a poorly conserved position in the protein, it is predicted to be benign by multiple in silico algorithms, and/or has population frequency not consistent with disease.

Breakthrough Genomics
Classification: Benign. Review status: criteria provided, single submitter. Criteria: ACMG Guidelines, 2015. Collection method: not provided. Allele origin: germline. Inheritance: Autosomal recessive inheritance. Affected: yes.